The following is an entry in ClinVar:

ClinVar aggregate classification (germline): Conflicting classifications of pathogenicity. Review status: criteria provided, conflicting classifications (1 of 4 stars). 2 submissions from 2 submitters: Likely pathogenic (1); Uncertain significance (1). Last evaluated 2025-12-10.

Conditions:
TTN-related disorder. Also called: TTN-related condition; TTN-related disease; TTN-related disorders.

Allele frequency attached by ClinVar (database versions not stated): gnomAD 0.00001; TOPMed 0.00002.
gnomAD v4.1: 3 of 1,612,898 alleles (0.00019%); highest among the groups gnomAD compares: African/African-American, 0.004%; no homozygotes.

Submissions (2):

PreventionGenetics, part of Exact Sciences
Classification: Likely pathogenic for TTN-related condition. Last evaluated: 2025-12-10. Review status: criteria provided, single submitter. Criteria: ACMG Guidelines, 2015. Collection method: clinical testing. Allele origin: germline.
Comment: The TTN c.10882C>T variant is predicted to result in premature protein termination (p.Gln3628*). This variant has been reported in an individual with cardiomyopathy (Supplementary Dataset, Forrest et al. 2024. PubMed ID: 38642551). This variant is reported in 0.0083% of alleles in individuals of African descent in gnomAD and is interpreted as uncertain in ClinVar (Variation ID: 2429573). This variant is located in the I-band region of the TTN protein. RNAseq studies from heart tissue indicate this exon is not commonly included in TTN mRNA transcripts (PSI of 4%, Roberts et al. 2015. PubMed ID: 25589632). TTN loss-of- function variants occurring in non-constitutively expressed exons (PSI < 90%) are less likely to be disease causing for TTN cardiac-related disorders (Roberts et al. 2015. PubMed ID: 25589632; Schafer et al. 2017. PubMed ID: 27869827; Akhtar et al. 2020. PubMed ID: 32964742). Many cases of recessive TTN-related myopathies in which the individual is compound heterozygous for two loss-of-function variants in TTN have also been reported (Ge et al. 2019. PubMed ID: 31053406; Oates et al. 2018. PubMed ID: 29691892; Rees et al. 2021. PubMed ID: 33449170). In summary, this variant is likely pathogenic for autosomal recessive TTN-related congenital titinopathies. However, it is uncertain if this variant would be causative for autosomal dominant TTN-related disorders.

GeneDx
Classification: Uncertain significance. Last evaluated: 2022-08-11. Review status: criteria provided, single submitter. Criteria: GeneDx Variant Classification Process June 2021. Collection method: clinical testing. Allele origin: germline. Affected: yes.
Comment: Has not been previously published as pathogenic or benign to our knowledge; Not observed at significant frequency in large population cohorts (gnomAD); Nonsense variant predicted to result in protein truncation or nonsense mediated decay in a gene or region of a gene for which loss of function is not a well-established mechanism of disease; Located in a region of TTN within the I-band in which the majority of loss of function variants are significantly associated with autosomal dominant titinopathies (Deo et al., 2016; Schafer et al., 2017); This variant is associated with the following publications: (PMID: 27625338, 27869827)

NM_001267550.2(TTN):c.10882C>T (p.Gln3628Ter)

Gene: TTN (titin; minus strand). Cytogenetic location: 2q31.2.
Variant type: single nucleotide variant.
Coding change: c.10882C>T on transcript NM_001267550.2 (MANE Select); coding-DNA position 10882, C replaced by T.
Protein change: p.Gln3628Ter; replaces glutamine 3628 with a stop codon.
Molecular consequence: nonsense. On other transcripts: intron variant (5).
Genome position (GRCh38, 1-based): chr2:178,756,594, G>A on the plus strand (C>T on the coding strand, the complement: TTN is on the minus strand). VCF-style: chr2-178756594-G-A. GRCh37 (hg19) VCF-style: chr2-179621321-G-A.
Other names: c.10369C>T, p.Gln3457Ter (NM_133437.4); c.10165+2390C>T (NM_003319.4); c.10540+948C>T (NM_133432.3); c.10303+2390C>T (NM_133378.4, NM_001256850.1, NM_133379.5); short protein forms Q3457*, Q3628*.
Identifiers: ClinVar variation 2429573 (VCV002429573.2), dbSNP rs1273860485, ClinGen allele CA349669980.